The following is an entry in ClinVar:

NM_006421.5(ARFGEF1):c.1148C>A (p.Ala383Glu)

Gene: ARFGEF1 (ARF guanine nucleotide exchange factor 1; minus strand). Cytogenetic location: 8q13.2.
Variant type: single nucleotide variant.
Coding change: c.1148C>A on transcript NM_006421.5 (MANE Select); coding-DNA position 1148, C replaced by A.
Protein change: p.Ala383Glu; replaces alanine 383 with glutamic acid.
Molecular consequence: missense variant.
Genome position (GRCh38, 1-based): chr8:67,277,337, G>T on the plus strand (C>A on the coding strand, the complement: ARFGEF1 is on the minus strand). VCF-style: chr8-67277337-G-T. GRCh37 (hg19) VCF-style: chr8-68189572-G-T.
Other names: c.1148C>A, p.Ala383Glu (NM_001413184.1, NM_001413185.1, NM_001413186.1 and 7 more transcripts); c.548C>A, p.Ala183Glu (NM_001413188.1, NM_001413193.1, NM_001413197.1); short protein forms A383E, A183E.
Identifiers: ClinVar variation 2294614 (VCV002294614.3), dbSNP rs2491723540, ClinGen allele CA371253261.
Genomic context (GRCh38, chr8:67,277,337, plus strand): 5'-TATACCTGAGTATCATTGGAAGAGACTGACAATCTATCATCAGGTAAGGATGGTGTATAT[G>T]CAACAGAAATTGGTGTTCCTGGAATTCCATTTGCTTGAATATTTTCACTGTCACTACCAT-3'
Protein context (NP_006412.2, residues 373-393): NGIPGTPISV[Ala383Glu]YTPSLPDDRL

ClinVar aggregate classification (germline): Uncertain significance. Review status: criteria provided, multiple submitters, no conflicts (2 of 4 stars). 2 submissions from 2 submitters: Uncertain significance (2). Last evaluated 2023-10-30.

Conditions:
Inborn genetic diseases. Identifiers: MedGen C0950123, MeSH D030342.

Submissions (2):

GeneDx
Classification: Uncertain significance. Last evaluated: 2023-10-30. Review status: criteria provided, single submitter. Criteria: GeneDx Variant Classification Process June 2021. Collection method: clinical testing. Allele origin: germline. Affected: yes.
Comment: Not observed at significant frequency in large population cohorts (gnomAD); In silico analysis supports that this missense variant does not alter protein structure/function; Has not been previously published as pathogenic or benign to our knowledge

Ambry Genetics
Classification: Uncertain significance for Inborn genetic diseases. Last evaluated: 2022-06-09. Review status: criteria provided, single submitter. Criteria: Ambry Variant Classification Scheme 2023. Collection method: clinical testing. Allele origin: germline.